The following is an entry in ClinVar:

ClinVar aggregate classification (germline): Conflicting classifications of pathogenicity. Review status: criteria provided, conflicting classifications (1 of 4 stars). 10 submissions from 10 submitters: Uncertain significance (7); Likely benign (3). Last evaluated 2025-12-23.

Conditions:
Hereditary cancer-predisposing syndrome. Also called: Tumor predisposition; Hereditary neoplastic syndrome; Hereditary Cancer Syndrome; Neoplastic Syndromes, Hereditary. Identifiers: Orphanet 140162, MedGen C0027672, MeSH D009386, MONDO:0015356.
Hereditary breast ovarian cancer syndrome. Also called: Hereditary breast and/or ovarian cancer syndrome; Breast and ovarian cancer; Hereditary breast and ovarian cancer syndrome; Hereditary breast and ovarian cancer; Hereditary breast and ovarian cancer syndrome (HBOC); BRCA1- and BRCA2-Associated Hereditary Breast and Ovarian Cancer. Identifiers: Orphanet 145, MedGen C0677776, MeSH D061325, MONDO:0003582. Disease mechanism: loss of function.
Breast-ovarian cancer, familial, susceptibility to, 1 (BROVCA1). Also called: BRCA1 Hereditary Breast and Ovarian Cancer; OVARIAN CANCER, SUSCEPTIBILITY TO. Identifiers: Orphanet 145, MedGen C2676676, MONDO:0011450, OMIM 604370. Disease mechanism: loss of function.

Allele frequency attached by ClinVar (database versions not stated): gnomAD exomes 0.00001; TOPMed 0.00002.
gnomAD v4.1: 9 of 1,614,180 alleles (0.00056%); highest among the groups gnomAD compares: Non-Finnish European, 0.00068%; no homozygotes.

Submissions 1 to 6 of 11:

Labcorp Genetics (formerly Invitae), Labcorp
Classification: Uncertain significance for Hereditary breast ovarian cancer syndrome. Last evaluated: 2025-12-23. Review status: criteria provided, single submitter. Criteria: Invitae Variant Classification Sherloc (09022015). Collection method: clinical testing. Allele origin: germline.
Comment: This sequence change replaces proline, which is neutral and non-polar, with arginine, which is basic and polar, at codon 1831 of the BRCA1 protein (p.Pro1831Arg). This variant is not present in population databases (gnomAD no frequency). This variant has not been reported in the literature in individuals affected with BRCA1-related conditions. ClinVar contains an entry for this variant (Variation ID: 142865). Invitae Evidence Modeling incorporating data from in vitro experimental studies (PMID: 30209399) indicates that this missense variant is not expected to disrupt BRCA1 function with a negative predictive value of 95%. Experimental studies have shown that this missense change does not substantially affect BRCA1 function (PMID: 30209399). In summary, the available evidence is currently insufficient to determine the role of this variant in disease. Therefore, it has been classified as a Variant of Uncertain Significance.

Myriad Genetics, Inc.
Classification: Likely benign for Breast-ovarian cancer, familial, susceptibility to, 1. Last evaluated: 2025-10-16. Review status: criteria provided, single submitter. Criteria: Myriad Autosomal Dominant, Autosomal Recessive and X-Linked Classification Criteria (2023). Collection method: clinical testing. Allele origin: unknown.
Comment: This variant is considered likely benign. This variant is strongly associated with less severe personal and family histories of cancer, typical for individuals without pathogenic variants in this gene [PMID: 25085752].

Color Diagnostics, LLC DBA Color Health
Classification: Uncertain significance for Hereditary cancer-predisposing syndrome. Last evaluated: 2025-09-04. Review status: criteria provided, single submitter. Criteria: ACMG Guidelines, 2015. Collection method: clinical testing. Allele origin: germline.
Comment: This missense variant replaces proline with arginine at codon 1831 of the BRCA1 protein. Computational prediction is inconclusive regarding the impact of this variant on protein structure and function. A functional study has reported that this variant does not impact BRCA1 in a haploid cell proliferation assay (PMID: 30209399). This variant has been detected in a breast cancer case-control meta-analysis in 0/60466 cases and 1/53461 unaffected individuals (PMID: 33471991Leiden Open Variation Database DB-ID BRCA1_006144). A multifactorial analysis has reached a combined likelihood ratio (LR) of 194.363 based on reported LR for co-occurrence with a pathogenic variant and personal and family history for 2 carriers (PMID: 31853058). This variant has not been identified in the general population by the Genome Aggregation Database (gnomAD). The available evidence is insufficient to determine the role of this variant in disease conclusively. Therefore, this variant is classified as a Variant of Uncertain Significance.

Lupski Lab, Baylor-Hopkins CMG, Baylor College of Medicine
Classification: Likely benign for Breast-ovarian cancer, familial, susceptibility to, 1. Last evaluated: 2024-04-12. Review status: criteria provided, single submitter. Criteria: Dawood et al. (medRxiv. 2024). Collection method: curation. Allele origin: germline.
Comment: Each variant was annotated with functional scores from MAVE data which was translated into functional evidence codes. All other evidence codes and combining criteria were adhered to as closely as possible based on the ClinGen VCEP (Variant Curation Expert Panel) gene-specific recommendations. See Supplemental Figure 34 of final paper (Supp Fig. 28 in preprint: doi:10.1101/2024.04.11.24305690) for a table to see which lines of evidence we did not have data for. The ClinGen VCEPs are highly regarded as the gold-standard for gene-specific variant curation and are developed after extensive evaluation of the evidence by clinical and scientific experts for the particular gene to classify genomic variants on a spectrum from pathogenic to benign using the 2015 ACMG/AMP Variant Interpretation Guidelines as a backbone (PMID: 25741868). Reclassification of these VUS variants from gnomAD or All of Us focused only on variants originally prescribed as VUS in ClinVar. To ensure reproducibility, transparency, and increased throughput, all the procedures for annotating variants and assigning evidence codes were codified using Python. All code has been made freely available and is linked in the Code Availability section and all reclassified variants with evidence codes used can be found in Tables S18-19 (preprint: doi:10.1101/2024.04.11.24305690). For the MAVE data, the clinical curation and clinical strength assignment as per the ClinGen recommendations in Brnich et al. (2020) (PMID: 31892348) for or against pathogenicity or benignity of each of these MAVE datasets utilized in this study were previously published in Fayer et al. (2021) (PMID: 34793697).In brief, for BRCA1 variants, if a variant was categorized as FUNC (functional), it was assigned BS3 evidence and no PS3 evidence, whereas if it was categorized as LOF (loss of function), the variant was assigned PS3 evidence and no BS3 evidence. Variants categorized as INT (intermediate) were left unannotated. For the BRCA1 combining criteria, greater than or equal to 1 criteria of strong benign evidence was enough to reclassify the VUS as Likely Benign. This variant GRCh38:17:43045778:G>C was assigned evidence codes ['BS3', 'BP4'] and an overall classification of Likely benign

All of Us Research Program, National Institutes of Health
Classification: Uncertain significance for Breast-ovarian cancer, familial, susceptibility to, 1. Last evaluated: 2023-12-01. Review status: criteria provided, single submitter. Criteria: ACMG Guidelines, 2015. Collection method: clinical testing. Allele origin: germline. Inheritance: Autosomal dominant inheritance. Observed: 2 variant alleles, 2 heterozygotes.
Comment: This missense variant replaces proline with arginine at codon 1831 of the BRCA1 protein. Computational prediction tools and conservation analyses are inconclusive regarding the impact of this variant on the protein function. Computational splicing tools suggest that this variant may not impact RNA splicing. This variant has been reported to be functional in a haploid cell proliferation assay (PMID 30209399). To our knowledge, this variant has not been reported in individuals affected with hereditary cancer in the literature. This variant has not been identified in the general population by the Genome Aggregation Database (gnomAD). Available evidence is insufficient to determine the role of this variant in disease conclusively. Therefore, this variant is classified as a Variant of Uncertain Significance.

This study involves interpretation of variants in research participants for the purpose of population health screening. Participant phenotype was not available at the time of variant classification. Additional details can be found in publication PMID: 35346344, PMCID: PMC8962531

Sema4
Classification: Uncertain significance for Hereditary cancer-predisposing syndrome. Last evaluated: 2022-01-25. Review status: criteria provided, single submitter. Criteria: Sema4 Curation Guidelines. Collection method: curation. Allele origin: germline.
Comment: The BRCA1 c.5492C>G (p.P1831R) variant has been reported in 1/53,461 controls but not in individuals with breast cancer in a large dataset of 60,466 women with breast cancer (PMID 33471991). This variant is not reported in the large and broad cohorts of the Genome Aggregation Database (PMID: 32461654). This variant has been reported in ClinVar (Variation ID 142865). In silico predictions of the variant's effect on protein function are inconclusive and functional studies indicated normal function of the protein (PMID 30209399). The overall evidence is insufficient to meet ACMG/AMP criteria for classifying it as benign or pathogenic. In summary, the clinical significance of this variant is currently uncertain.

NM_007294.4(BRCA1):c.5492C>G (p.Pro1831Arg)

Gene: BRCA1 (BRCA1 DNA repair associated; minus strand). Cytogenetic location: 17q21.31.
Variant type: single nucleotide variant.
Coding change: c.5492C>G on transcript NM_007294.4 (MANE Select); coding-DNA position 5492, C replaced by G.
Protein change: p.Pro1831Arg; replaces proline 1831 with arginine.
Molecular consequence: missense variant. On other transcripts: 3 prime UTR variant (1), non-coding transcript variant (1).
Genome position (GRCh38, 1-based): chr17:43,045,778, G>C on the plus strand (C>G on the coding strand, the complement: BRCA1 is on the minus strand). VCF-style: chr17-43045778-G-C. GRCh37 (hg19) VCF-style: chr17-41197795-G-C.
Other names: c.2102C>G, p.Pro701Arg (NM_001408412.1, NM_001408413.1, NM_001408414.1 and 2 more transcripts); c.2066C>G, p.Pro689Arg (NM_001408418.1, NM_001408419.1, NM_001408420.1); c.2060C>G, p.Pro687Arg (NM_001408431.1, NM_001408425.1, NM_001408426.1 and 4 more transcripts); c.2057C>G, p.Pro686Arg (NM_001408432.1, NM_001408433.1, NM_001408434.1 and 10 more transcripts); c.2048C>G, p.Pro683Arg (NM_001408451.1); c.2042C>G, p.Pro681Arg (NM_001408452.1, NM_001408453.1, NM_001408454.1 and 3 more transcripts); c.2039C>G, p.Pro680Arg (NM_001408458.1, NM_001408459.1, NM_001408460.1 and 7 more transcripts); c.2036C>G, p.Pro679Arg (NM_001408470.1, NM_001408468.1, NM_001408469.1); and 74 more; short protein forms P1831R, P1852R, P727R, P1784R, P1702R, P1790R, P1828R, P1829R.
Identifiers: ClinVar variation 142865 (VCV000142865.27), dbSNP rs587782778, ClinGen allele CA003662.
Genomic context (GRCh38, chr17:43,045,778, plus strand): 5'-TCCAGCTCCTGGCACTGGTAGAGTGCTACACTGTCCAACACCCACTCTCGGGTCACCACA[G>C]GTGCCTCACACATCTGCCCAATTGCTGGAGACAGAGAACACAAGCAGAGATTAGTGTCAA-3'
Protein context (NP_009225.1, residues 1821-1841): FHAIGQMCEA[Pro1831Arg]VVTREWVLDS